The following is an entry in ClinVar:

ClinVar aggregate classification (germline): Uncertain significance (1 of 4 stars; one submission).

Submission:

Labcorp Genetics (formerly Invitae), Labcorp
Classification: Uncertain significance. Last evaluated: 2025-04-18. Review status: criteria provided, single submitter. Criteria: Invitae Variant Classification Sherloc (09022015). Collection method: clinical testing. Allele origin: germline.
Comment: This variant, c.1360_1371del, results in the deletion of 4 amino acid(s) of the FH protein (p.Met454_Thr457del), but otherwise preserves the integrity of the reading frame. This variant is not present in population databases (gnomAD no frequency). This variant has not been reported in the literature in individuals affected with FH-related conditions. Experimental studies and prediction algorithms are not available or were not evaluated, and the functional significance of this variant is currently unknown. In summary, the available evidence is currently insufficient to determine the role of this variant in disease. Therefore, it has been classified as a Variant of Uncertain Significance.

NM_000143.4(FH):c.1360_1371del (p.Met454_Thr457del)

Gene: FH (fumarate hydratase; minus strand). Cytogenetic location: 1q43.
Variant type: Deletion.
Coding change: c.1360_1371del on transcript NM_000143.4 (MANE Select); coding-DNA positions 1360 to 1371, 12 bases deleted (ATGTTGGTGACA).
Protein change: p.Met454_Thr457del.
Molecular consequence: inframe deletion.
Genome position (GRCh38, 1-based): chr1:241,500,456-241,500,467, TGTCACCAACAT deleted on the plus strand (ATGTTGGTGACA on the coding strand, the reverse complement: FH is on the minus strand); deleting any 12 consecutive bases within chr1:241,500,456-241,500,468 gives the same sequence; the c. name uses the placement nearest the transcript's 3' end. VCF-style (leftmost placement, unchanged base first): chr1-241500455-CTGTCACCAACAT-C. GRCh37 (hg19) VCF-style: chr1-241663755-CTGTCACCAACAT-C.
Identifiers: ClinVar variation 4717865 (VCV004717865.1).
Genomic context (GRCh38, chr1:241,500,455, plus strand): 5'-ATTTTGCATTCAAAATGATATTATTATTCCTTAAACACTTACCTATATGAGGATTGAGAG[CTGTCACCAACAT>C]TAGAGACTCATTCATCAGCTTGTTGATCCTTTCTGTATTGGCCTGGATTCCCACCACGCA-3'